The following is an entry in ClinVar:

NM_001384140.1(PCDH15):c.4212-1G>A

Gene: PCDH15 (protocadherin related 15; minus strand). Cytogenetic location: 10q21.1.
Variant type: single nucleotide variant.
Coding change: c.4212-1G>A on transcript NM_001384140.1 (MANE Select); the canonical splice acceptor site of the intron before coding-DNA position 4212, G replaced by A.
Molecular consequence: splice acceptor variant.
Genome position (GRCh38, 1-based): chr10:53,827,549, C>T on the plus strand (G>A on the coding strand, the complement: PCDH15 is on the minus strand). VCF-style: chr10-53827549-C-T. GRCh37 (hg19) VCF-style: chr10-55587309-C-T.
Other names: c.4212-1G>A (NM_001354420.2, NM_001354429.2, NM_001142772.2 and 3 more transcripts); c.4227-1G>A (NM_001142771.2, NM_001142763.2); c.4233-1G>A (NM_001354411.2); c.4248-1G>A (NM_001142769.3); c.4146-1G>A (NM_001354404.2, NM_001142768.2); c.4137-1G>A (NM_001142773.2); c.4092-1G>A (NM_001142767.2); c.3999-1G>A (NM_001142765.2); and 1 more.
Identifiers: ClinVar variation 1489070 (VCV001489070.6), dbSNP rs2132580888, ClinGen allele CA376527853.

ClinVar aggregate classification (germline): Likely pathogenic (1 of 4 stars; one submission).

Allele frequency attached by ClinVar (database versions not stated): gnomAD exomes below 0.00001.
gnomAD v4.1: 1 of 1,614,084 alleles (0.000062%); highest among the groups gnomAD compares: Non-Finnish European, 0.000085%; no homozygotes.

Submission:

Labcorp Genetics (formerly Invitae), Labcorp
Classification: Likely pathogenic. Last evaluated: 2025-03-11. Review status: criteria provided, single submitter. Criteria: Invitae Variant Classification Sherloc (09022015). Collection method: clinical testing. Allele origin: germline.
Comment: This sequence change affects an acceptor splice site in intron 31 of the PCDH15 gene. It is expected to disrupt RNA splicing. Variants that disrupt the donor or acceptor splice site typically lead to a loss of protein function (PMID: 16199547), and loss-of-function variants in PCDH15 are known to be pathogenic (PMID: 11398101, 11487575, 14570705). This variant is not present in population databases (gnomAD no frequency). This variant has not been reported in the literature in individuals affected with PCDH15-related conditions. ClinVar contains an entry for this variant (Variation ID: 1489070). Algorithms developed to predict the effect of sequence changes on RNA splicing suggest that this variant may disrupt the consensus splice site. In summary, the currently available evidence indicates that the variant is pathogenic, but additional data are needed to prove that conclusively. Therefore, this variant has been classified as Likely Pathogenic.

Literature cited by the submitters: PubMed 16199547; PubMed 11398101; PubMed 11487575; PubMed 14570705.